The following is an entry in ClinVar:

ClinVar aggregate classification (germline): Uncertain significance (1 of 4 stars; one submission).

Submission:

Labcorp Genetics (formerly Invitae), Labcorp
Classification: Uncertain significance. Last evaluated: 2023-09-01. Review status: criteria provided, single submitter. Criteria: Invitae Variant Classification Sherloc (09022015). Collection method: clinical testing. Allele origin: germline.
Comment: Advanced modeling of protein sequence and biophysical properties (such as structural, functional, and spatial information, amino acid conservation, physicochemical variation, residue mobility, and thermodynamic stability) has been performed at Invitae for this missense variant, however the output from this modeling did not meet the statistical confidence thresholds required to predict the impact of this variant on ARID1A protein function. In summary, the available evidence is currently insufficient to determine the role of this variant in disease. Therefore, it has been classified as a Variant of Uncertain Significance. This variant has not been reported in the literature in individuals affected with ARID1A-related conditions. This variant is not present in population databases (gnomAD no frequency). This sequence change replaces histidine, which is basic and polar, with glutamine, which is neutral and polar, at codon 688 of the ARID1A protein (p.His688Gln).

NM_006015.6(ARID1A):c.2064C>A (p.His688Gln)

Gene: ARID1A (AT-rich interaction domain 1A; plus strand). Cytogenetic location: 1p36.11.
Variant type: single nucleotide variant.
Coding change: c.2064C>A on transcript NM_006015.6 (MANE Select); coding-DNA position 2064, C replaced by A.
Protein change: p.His688Gln; replaces histidine 688 with glutamine.
Molecular consequence: missense variant.
Genome position (GRCh38, 1-based): chr1:26,760,999, C>A. VCF-style: chr1-26760999-C-A. GRCh37 (hg19) VCF-style: chr1-27087490-C-A.
Other names: c.2064C>A, p.His688Gln (NM_139135.4); short protein forms H688Q.
Identifiers: ClinVar variation 2757259 (VCV002757259.3), dbSNP rs772402358, ClinGen allele CA339152890.